The following is an entry in ClinVar:

NM_000341.4(SLC3A1):c.1304T>G (p.Met435Arg)

Gene: SLC3A1 (solute carrier family 3 member 1; plus strand). Cytogenetic location: 2p21.
Variant type: single nucleotide variant.
Coding change: c.1304T>G on transcript NM_000341.4 (MANE Select); coding-DNA position 1304, T replaced by G.
Protein change: p.Met435Arg; replaces methionine 435 with arginine.
Molecular consequence: missense variant.
Genome position (GRCh38, 1-based): chr2:44,304,310, T>G. VCF-style: chr2-44304310-T-G. GRCh37 (hg19) VCF-style: chr2-44531449-T-G.
Other names: short protein forms M435R.
Identifiers: ClinVar variation 804182 (VCV000804182.4), dbSNP rs184648701, ClinGen allele CA46500702.

ClinVar aggregate classification (germline): Uncertain significance. Review status: criteria provided, single submitter (1 of 4 stars). 2 submissions from 2 submitters: Uncertain significance (1). 1 of the submissions does not count toward it. Last evaluated 2025-04-02.

Conditions:
Cystine urolithiasis. Identifiers: MedGen C3671878.

Allele frequency attached by ClinVar (database versions not stated): 1000 Genomes Project 30x 0.00016; 1000 Genomes Project 0.00020.
gnomAD v4.1: 1 of 1,614,160 alleles (0.000062%); highest among the groups gnomAD compares: East Asian, 0.0022%; no homozygotes.

Submissions (2):

Women's Health and Genetics/Laboratory Corporation of America, LabCorp
Classification: Uncertain significance. Last evaluated: 2025-04-02. Review status: criteria provided, single submitter. Criteria: LabCorp Variant Classification Summary - May 2015. Collection method: clinical testing. Allele origin: germline.
Comment: Variant summary: SLC3A1 c.1304T>G (p.Met435Arg) results in a non-conservative amino acid change in the encoded protein sequence. Five of five in-silico tools predict a damaging effect of the variant on protein function. The variant allele was found at a frequency of 4e-06 in 251332 control chromosomes (gnomAD). The available data on variant occurrences in the general population are insufficient to allow any conclusion about variant significance. c.1304T>G has been reported in the literature in an individual affected with Cystinuria (Li_2020). These data do not allow clear conclusions about variant significance. To our knowledge, no experimental evidence demonstrating an impact on protein function has been reported. ClinVar contains an entry for this variant (Variation ID: 804182). Based on the evidence outlined above, the variant was classified as uncertain significance.

The Laboratory of Genetics and Metabolism, Hunan Children’s Hospital
Classification: Likely pathogenic for Cystine Urolithiasis. Review status: no assertion criteria provided. Collection method: research. Allele origin: maternal. Affected: yes. Not counted in ClinVar's aggregate classification.

Literature cited by the submitters: PubMed 32133030 (cited by Women's Health and Genetics/Laboratory Corporation of America, LabCorp).